The following is an entry in ClinVar:

ClinVar aggregate classification (germline): not provided (0 of 4 stars; one submission).

Allele frequency attached by ClinVar (database versions not stated): gnomAD exomes below 0.00001.
gnomAD v4.1: 2 of 1,614,074 alleles (0.00012%); highest among the groups gnomAD compares: East Asian, 0.0022%; no homozygotes.

Submission:

ITMI
No classification provided. Condition: AllHighlyPenetrant. Last evaluated: 2013-09-19. Review status: no classification provided. Collection method: reference population. Allele origin: germline.
Comment: Please see associated publication for description of ethnicities

Literature cited by the submitters: PubMed 24728327.

NM_001429.4(EP300):c.5552C>T (p.Thr1851Ile)

Gene: EP300 (E1A binding protein p300; plus strand). Cytogenetic location: 22q13.2.
Variant type: single nucleotide variant.
Coding change: c.5552C>T on transcript NM_001429.4 (MANE Select); coding-DNA position 5552, C replaced by T.
Protein change: p.Thr1851Ile; replaces threonine 1851 with isoleucine.
Molecular consequence: missense variant.
Genome position (GRCh38, 1-based): chr22:41,177,263, C>T. VCF-style: chr22-41177263-C-T. GRCh37 (hg19) VCF-style: chr22-41573267-C-T.
Other names: c.5474C>T, p.Thr1825Ile (NM_001362843.2); short protein forms T1851I, T1825I.
Identifiers: ClinVar variation 134050 (VCV000134050.1), dbSNP rs587778257, ClinGen allele CA158510.